The following is an entry in ClinVar:

ClinVar aggregate classification (germline): Pathogenic (1 of 4 stars; one submission).

Conditions:
Larsen-like syndrome, B3GAT3 type. Also called: Multiple joint dislocations, short stature, craniofacial dysmorphism, with or without congenital heart defects; MULTIPLE JOINT DISLOCATIONS, SHORT STATURE, AND CRANIOFACIAL DYSMORPHISM WITH OR WITHOUT CONGENITAL HEART DEFECTS. Identifiers: Orphanet 284139, MedGen CN034159, MONDO:0009511, OMIM 245600.

Submission:

Labcorp Genetics (formerly Invitae), Labcorp
Classification: Pathogenic for Larsen-like syndrome, B3GAT3 type. Last evaluated: 2025-03-27. Review status: criteria provided, single submitter. Criteria: Invitae Variant Classification Sherloc (09022015). Collection method: clinical testing. Allele origin: germline.
Comment: This sequence change creates a premature translational stop signal (p.Arg211Valfs*26) in the B3GAT3 gene. It is expected to result in an absent or disrupted protein product. Loss-of-function variants in B3GAT3 are known to be pathogenic (PMID: 25893793, 27871226). This variant is not present in population databases (gnomAD no frequency). This variant has not been reported in the literature in individuals affected with B3GAT3-related conditions. For these reasons, this variant has been classified as Pathogenic.

Literature cited by the submitters: PubMed 25893793; PubMed 27871226.

NM_012200.4(B3GAT3):c.631del (p.Arg211fs)

Gene: B3GAT3 (beta-1,3-glucuronyltransferase 3; minus strand). Cytogenetic location: 11q12.3.
Variant type: Deletion.
Coding change: c.631del on transcript NM_012200.4 (MANE Select); coding-DNA position 631, one base deleted (C; older notation c.631delC).
Protein change: p.Arg211fs; shifts the reading frame from arginine 211.
Molecular consequence: frameshift variant. On other transcripts: non-coding transcript variant (1).
Genome position (GRCh38, 1-based): chr11:62,616,784, G deleted on the plus strand (C on the coding strand, the reverse complement: B3GAT3 is on the minus strand); the first of 3 consecutive G bases (chr11:62,616,784-62,616,786); deleting any one gives the same sequence. VCF-style (leftmost placement, unchanged base first): chr11-62616783-CG-C. GRCh37 (hg19) VCF-style: chr11-62384255-CG-C.
Other names: c.610del, p.Arg204fs (NM_001288721.2); c.631del, p.Arg211fs (NM_001288722.2, NM_001288723.2); short protein forms R204fs, R211fs.
Identifiers: ClinVar variation 4715364 (VCV004715364.1).
Genomic context (GRCh38, chr11:62,616,783, plus strand): 5'-ACCTGAGGGCCCTCGAATCGCAGGCCGCCCACCAGCCCCACAGGCCACACTGAGACACCA[CG>C]GGTCCAGCGCATCTAACGGAGGTCGGGAGAGAAGAAACAGAGGGGTGGTCCGGGGAAGGG-3'